The following is an entry in ClinVar:

ClinVar aggregate classification (germline): Uncertain significance (1 of 4 stars; one submission).

gnomAD v4.1: 1 of 1,609,604 alleles (0.000062%); highest among the groups gnomAD compares: Non-Finnish European, 0.000085%; no homozygotes.

Submission:

Labcorp Genetics (formerly Invitae), Labcorp
Classification: Uncertain significance. Last evaluated: 2025-03-11. Review status: criteria provided, single submitter. Criteria: Invitae Variant Classification Sherloc (09022015). Collection method: clinical testing. Allele origin: germline.
Comment: This sequence change replaces proline, which is neutral and non-polar, with serine, which is neutral and polar, at codon 225 of the GATA5 protein (p.Pro225Ser). This variant is not present in population databases (gnomAD no frequency). This variant has not been reported in the literature in individuals affected with GATA5-related conditions. Invitae Evidence Modeling of protein sequence and biophysical properties (such as structural, functional, and spatial information, amino acid conservation, physicochemical variation, residue mobility, and thermodynamic stability) indicates that this missense variant is expected to disrupt GATA5 protein function with a positive predictive value of 80%. In summary, the available evidence is currently insufficient to determine the role of this variant in disease. Therefore, it has been classified as a Variant of Uncertain Significance.

NM_080473.5(GATA5):c.673C>T (p.Pro225Ser)

Gene: GATA5 (GATA binding protein 5; minus strand). Cytogenetic location: 20q13.33.
Variant type: single nucleotide variant.
Coding change: c.673C>T on transcript NM_080473.5 (MANE Select); coding-DNA position 673, C replaced by T.
Protein change: p.Pro225Ser; replaces proline 225 with serine.
Molecular consequence: missense variant.
Genome position (GRCh38, 1-based): chr20:62,473,429, G>A on the plus strand (C>T on the coding strand, the complement: GATA5 is on the minus strand). VCF-style: chr20-62473429-G-A. GRCh37 (hg19) VCF-style: chr20-61048485-G-A.
Other names: short protein forms P225S.
Identifiers: ClinVar variation 4782228 (VCV004782228.1).
Genomic context (GRCh38, chr20:62,473,429, plus strand): 5'-CGCCCAGGCGCCCCTCTGCCCAGCCCGAACTCACCAGGCGCTTCTGAGGCCGAACGAGCG[G>A]CCGGTTGACGCCATTCATCTTGTGGTAGAGGCCGCAGGCATTGCACAGGTAGTGGCCGGT-3'
Protein context (NP_536721.1, residues 215-235): LYHKMNGVNR[Pro225Ser]LVRPQKRLSS